The following is an entry in ClinVar:

ClinVar aggregate classification (germline): Likely benign (0 of 4 stars; one submission).

Conditions:
KIF26B-related disorder. Also called: KIF26B-related condition.

Allele frequency attached by ClinVar (database versions not stated): TOPMed 0.00009; gnomAD 0.00017; ExAC 0.00023; gnomAD exomes 0.00027; 1000 Genomes Project 30x 0.00125; 1000 Genomes Project 0.00180.
gnomAD v4.1: 414 of 1,613,430 alleles (0.026%); highest among the groups gnomAD compares: East Asian, 0.82%; 4 homozygotes.

Submission:

PreventionGenetics, part of Exact Sciences
Classification: Likely benign for KIF26B-related condition. Last evaluated: 2019-07-30. Review status: no assertion criteria provided. Collection method: clinical testing. Allele origin: germline.
Comment: This variant is classified as likely benign based on ACMG/AMP sequence variant interpretation guidelines (Richards et al. 2015 PMID: 25741868, with internal and published modifications).

NM_018012.4(KIF26B):c.3975C>T (p.Thr1325=)

Gene: KIF26B (kinesin family member 26B; plus strand). Cytogenetic location: 1q44.
Variant type: single nucleotide variant.
Coding change: c.3975C>T on transcript NM_018012.4 (MANE Select); coding-DNA position 3975, C replaced by T.
Protein change: p.Thr1325=; no amino-acid change (threonine 1325 retained).
Molecular consequence: synonymous variant.
Genome position (GRCh38, 1-based): chr1:245,686,958, C>T. VCF-style: chr1-245686958-C-T. GRCh37 (hg19) VCF-style: chr1-245850260-C-T.
Identifiers: ClinVar variation 3034639 (VCV003034639.2), dbSNP rs138077422, ClinGen allele CA1488372.